The following is an entry in ClinVar:

ClinVar aggregate classification (germline): Uncertain significance (1 of 4 stars; one submission).

Conditions:
Arrhythmogenic right ventricular dysplasia 10. Also called: Arrhythmogenic Right Ventricular Dysplasia/Cardiomyopathy10; Arrhythmogenic right ventricular dysplasia/cardiomyopathy, type 10; ARRHYTHMOGENIC RIGHT VENTRICULAR DYSPLASIA, FAMILIAL, 10. Identifiers: MedGen C1857777, MONDO:0012434, OMIM 610193.

Submission:

Labcorp Genetics (formerly Invitae), Labcorp
Classification: Uncertain significance for Arrhythmogenic right ventricular dysplasia 10. Last evaluated: 2022-05-09. Review status: criteria provided, single submitter. Criteria: Invitae Variant Classification Sherloc (09022015). Collection method: clinical testing. Allele origin: germline.
Comment: In summary, the available evidence is currently insufficient to determine the role of this variant in disease. Therefore, it has been classified as a Variant of Uncertain Significance. Algorithms developed to predict the effect of missense changes on protein structure and function are either unavailable or do not agree on the potential impact of this missense change (SIFT: "Tolerated"; PolyPhen-2: "Probably Damaging"; Align-GVGD: "Class C0"). This variant has not been reported in the literature in individuals affected with DSG2-related conditions. This variant is not present in population databases (gnomAD no frequency). This sequence change replaces glutamic acid, which is acidic and polar, with aspartic acid, which is acidic and polar, at codon 324 of the DSG2 protein (p.Glu324Asp).

NM_001943.5(DSG2):c.972A>C (p.Glu324Asp)

Gene: DSG2 (desmoglein 2; plus strand). Cytogenetic location: 18q12.1.
Variant type: single nucleotide variant.
Coding change: c.972A>C on transcript NM_001943.5 (MANE Select); coding-DNA position 972, A replaced by C.
Protein change: p.Glu324Asp; replaces glutamic acid 324 with aspartic acid.
Molecular consequence: missense variant.
Genome position (GRCh38, 1-based): chr18:31,524,846, A>C. VCF-style: chr18-31524846-A-C. GRCh37 (hg19) VCF-style: chr18-29104809-A-C.
Other names: short protein forms E324D.
Identifiers: ClinVar variation 2135819 (VCV002135819.4), dbSNP rs2510912964, ClinGen allele CA402135838.